The following is an entry in ClinVar:

NM_001122681.2(SH3BP2):c.1244G>A (p.Arg415Gln)

Gene: SH3BP2 (SH3 domain binding protein 2; plus strand). Cytogenetic location: 4p16.3.
Variant type: single nucleotide variant.
Coding change: c.1244G>A on transcript NM_001122681.2 (MANE Select); coding-DNA position 1244, G replaced by A.
Protein change: p.Arg415Gln; replaces arginine 415 with glutamine.
Molecular consequence: missense variant.
Genome position (GRCh38, 1-based): chr4:2,831,573, G>A. VCF-style: chr4-2831573-G-A. GRCh37 (hg19) VCF-style: chr4-2833300-G-A.
Other names: c.1244G>A, p.Arg415Gln (LRG_1334t1, NM_003023.4); c.1328G>A, p.Arg443Gln (LRG_1334t2, NM_001145855.2); c.1415G>A, p.Arg472Gln (NM_001145856.2); short protein forms R415Q, R443Q, R472Q.
Identifiers: ClinVar variation 7551 (VCV000007551.35), dbSNP rs121909149, ClinGen allele CA254210.

ClinVar aggregate classification (germline): Pathogenic. Review status: criteria provided, multiple submitters, no conflicts (2 of 4 stars). 7 submissions from 7 submitters: Pathogenic (6). 1 of the submissions does not count toward it. Last evaluated 2025-11-24.

Conditions:
SH3BP2-related disorder. Also called: SH3BP2-related condition.
Fibrous dysplasia of jaw (CRBM). Also called: Cherubism. Identifiers: Orphanet 184, MedGen C0008029, MONDO:0007315, OMIM 118400.

Allele frequency attached by ClinVar (database versions not stated): gnomAD exomes below 0.00001.
gnomAD v4.1: 2 of 1,579,824 alleles (0.00013%); highest among the groups gnomAD compares: Non-Finnish European, 0.00017%; no homozygotes.

Submissions (7):

3billion
Classification: Pathogenic for Fibrous dysplasia of jaw. Last evaluated: 2025-11-24. Review status: criteria provided, single submitter. Criteria: ACMG Guidelines, 2015. Collection method: clinical testing. Allele origin: germline. Affected: yes.
Comment: The variant is observed at an extremely low frequency in the gnomAD v4.1.0 dataset (total allele frequency: <0.001%). Predicted Consequence/Location: Missense variant. Missense changes are a common disease-causing mechanism. In silico tool predictions suggest damaging effect of the variant on gene or gene product [REVEL: 0.75 (>=0.6, sensitivity 0.68 and specificity 0.92); 3Cnet: 0.99 (> 0.75, sensitivity 0.96 and precision 0.92)]. The same nucleotide change resulting in the same amino acid change has been previously reported as pathogenic/likely pathogenic with strong evidence (ClinVar ID: VCV000007551 /PMID: 11381256). A different missense change at the same codon (p.Arg415Pro) has been reported as pathogenic/likely pathogenic with strong evidence (ClinVar ID: VCV000007550 /PMID: 11381256). Therefore, this variant is classified as Pathogenic according to the recommendation of ACMG/AMP guideline.

Labcorp Genetics (formerly Invitae), Labcorp
Classification: Pathogenic for Fibrous dysplasia of jaw. Last evaluated: 2025-08-04. Review status: criteria provided, single submitter. Criteria: Invitae Variant Classification Sherloc (09022015). Collection method: clinical testing. Allele origin: germline.
Comment: This sequence change replaces arginine, which is basic and polar, with glutamine, which is neutral and polar, at codon 415 of the SH3BP2 protein (p.Arg415Gln). This variant is not present in population databases (gnomAD no frequency). This missense change has been observed in individual(s) with cherubism (PMID: 11381256, 21045962, 22795151, 24382142, 24608212, 26064398, 28644570, 30236129). It has also been observed to segregate with disease in related individuals. ClinVar contains an entry for this variant (Variation ID: 7551). An algorithm developed to predict the effect of missense changes on protein structure and function (PolyPhen-2) suggests that this variant is likely to be disruptive. Experimental studies have shown that this missense change affects SH3BP2 function (PMID: 16786512, 22153077). For these reasons, this variant has been classified as Pathogenic.

PreventionGenetics, part of Exact Sciences
Classification: Pathogenic for SH3BP2-related condition. Last evaluated: 2025-02-19. Review status: criteria provided, single submitter. Criteria: ACMG Guidelines, 2015. Collection method: clinical testing. Allele origin: germline.
Comment: The SH3BP2 c.1244G>A variant is predicted to result in the amino acid substitution p.Arg415Gln. This variant has been reported in multiple individuals with cherubism and was demonstrated to segregate with disease with incomplete penetrance in female family members (Ueki et al. 2001. PubMed ID: 11381256; Preda et al. 2010. PubMed ID: 21045962; Pérez-Sayáns et al. 2013. PubMed ID: 24382142; Morice et al. 2020. PubMed ID: 32825821; Tuna et al. 2012. PubMed ID: 22795151; Sekerci et al. 2014. PubMed ID: 24608212). An in vitro study expressing this variant in Jurkat cells indicated this variant results in a gain of function (Lietman et al. 2006. PubMed ID: 16786512). This variant has not been reported in a large population database (gnomAD), indicating this variant is rare. A different missense change impacting the same amino acid (c.1244G>C, p.Arg415Pro) has also been reported in individuals with cherubism (Argyris et al. 2017. PubMed ID: 28721660). Given the evidence, the c.1244G>A (p.Arg415Gln) variant is interpreted as pathogenic.

Fulgent Genetics
Classification: Pathogenic for Fibrous dysplasia of jaw. Last evaluated: 2024-06-07. Review status: criteria provided, single submitter. Criteria: ACMG Guidelines, 2015. Collection method: clinical testing. Allele origin: germline.

CeGaT Center for Human Genetics Tuebingen
Classification: Pathogenic. Last evaluated: 2023-12-01. Review status: criteria provided, single submitter. Criteria: CeGaT Center For Human Genetics Tuebingen Variant Classification Criteria Version 2. Collection method: clinical testing. Allele origin: germline. Affected: yes. Observed: 1 variant allele.
Comment: SH3BP2: PM1:Strong, PM2, PM5, PS4:Moderate

Blueprint Genetics
Classification: Pathogenic for SH3BP2-related disorders. Last evaluated: 2020-08-24. Review status: criteria provided, single submitter. Criteria: ACMG Guidelines, 2015. Collection method: clinical testing. Allele origin: germline. Affected: yes. Observed: 1 variant allele.

OMIM
Classification: Pathogenic for CHERUBISM. Last evaluated: 2001-06-01. Review status: no assertion criteria provided. Collection method: literature only. Allele origin: germline. Not counted in ClinVar's aggregate classification.

Literature cited by the submitters: PubMed 11381256 (cited by 3 submitters); PubMed 21045962 (cited by Labcorp Genetics (formerly Invitae), Labcorp); PubMed 22795151 (cited by Labcorp Genetics (formerly Invitae), Labcorp); PubMed 24382142 (cited by Labcorp Genetics (formerly Invitae), Labcorp); PubMed 24608212 (cited by Labcorp Genetics (formerly Invitae), Labcorp); PubMed 26064398 (cited by Labcorp Genetics (formerly Invitae), Labcorp); PubMed 28644570 (cited by Labcorp Genetics (formerly Invitae), Labcorp); PubMed 30236129 (cited by Labcorp Genetics (formerly Invitae), Labcorp); PubMed 16786512 (cited by Labcorp Genetics (formerly Invitae), Labcorp); PubMed 22153077 (cited by Labcorp Genetics (formerly Invitae), Labcorp).